The following is an entry in ClinVar:

ClinVar aggregate classification (germline): Uncertain significance. Review status: criteria provided, multiple submitters, no conflicts (2 of 4 stars). 3 submissions from 3 submitters: Uncertain significance (3). Last evaluated 2022-09-06.

Conditions:
Cortical dysplasia-focal epilepsy syndrome (PTHSL1). Also called: Pitt-Hopkins-like syndrome 1. Identifiers: Orphanet 163681, Orphanet 221150, MedGen C2750246, MONDO:0012400, OMIM 610042.
Inborn genetic diseases. Identifiers: MedGen C0950123, MeSH D030342.

Allele frequency attached by ClinVar (database versions not stated): gnomAD exomes 0.00003 and 0.00005; ExAC 0.00005; TOPMed 0.00008; gnomAD 0.00011; ESP Exome Variant Server 0.00023; 1000 Genomes Project 30x 0.00031; 1000 Genomes Project 0.00040.
gnomAD v4.1: 58 of 1,614,218 alleles (0.0036%); highest among the groups gnomAD compares: African/African-American, 0.028%; no homozygotes.

Submissions (3):

Labcorp Genetics (formerly Invitae), Labcorp
Classification: Uncertain significance for Cortical dysplasia-focal epilepsy syndrome. Last evaluated: 2022-09-06. Review status: criteria provided, single submitter. Criteria: Invitae Variant Classification Sherloc (09022015). Collection method: clinical testing. Allele origin: germline.
Comment: This sequence change replaces alanine, which is neutral and non-polar, with valine, which is neutral and non-polar, at codon 1307 of the CNTNAP2 protein (p.Ala1307Val). This variant is present in population databases (rs149487593, gnomAD 0.05%). This variant has not been reported in the literature in individuals affected with CNTNAP2-related conditions. ClinVar contains an entry for this variant (Variation ID: 854933). Algorithms developed to predict the effect of missense changes on protein structure and function are either unavailable or do not agree on the potential impact of this missense change (SIFT: "Tolerated"; PolyPhen-2: "Possibly Damaging"; Align-GVGD: "Class C25"). In summary, the available evidence is currently insufficient to determine the role of this variant in disease. Therefore, it has been classified as a Variant of Uncertain Significance.

GeneDx
Classification: Uncertain significance. Last evaluated: 2019-04-23. Review status: criteria provided, single submitter. Criteria: GeneDx Variant Classification Process June 2021. Collection method: clinical testing. Allele origin: germline. Affected: yes.
Comment: In silico analysis, which includes protein predictors and evolutionary conservation, supports that this variant does not alter protein structure/function; Has not been previously published as pathogenic or benign to our knowledge

Ambry Genetics
Classification: Uncertain significance for Inborn genetic diseases. Last evaluated: 2017-09-29. Review status: criteria provided, single submitter. Criteria: Ambry Variant Classification Scheme 2023. Collection method: clinical testing. Allele origin: germline.
Comment: The p.A1307V variant (also known as c.3920C>T), located in coding exon 24 of the CNTNAP2 gene, results from a C to T substitution at nucleotide position 3920. The alanine at codon 1307 is replaced by valine, an amino acid with similar properties. This amino acid position is highly conserved in available vertebrate species; however, valine is the reference amino acid in other vertebrate species. In addition, the in silico prediction for this alteration is inconclusive. Since supporting evidence is limited at this time, the clinical significance of this alteration remains unclear.

NM_014141.6(CNTNAP2):c.3920C>T (p.Ala1307Val)

Gene: CNTNAP2 (contactin associated protein 2; plus strand). Cytogenetic location: 7q36.1.
Variant type: single nucleotide variant.
Coding change: c.3920C>T on transcript NM_014141.6 (MANE Select); coding-DNA position 3920, C replaced by T.
Protein change: p.Ala1307Val; replaces alanine 1307 with valine.
Molecular consequence: missense variant.
Genome position (GRCh38, 1-based): chr7:148,415,540, C>T. VCF-style: chr7-148415540-C-T. GRCh37 (hg19) VCF-style: chr7-148112632-C-T.
Other names: short protein forms A1307V.
Identifiers: ClinVar variation 854933 (VCV000854933.12), dbSNP rs149487593, ClinGen allele CA4546843.